The following is an entry in ClinVar:

ClinVar aggregate classification (germline): Uncertain significance. Review status: criteria provided, multiple submitters, no conflicts (2 of 4 stars). 2 submissions from 2 submitters: Uncertain significance (2). Last evaluated 2024-10-23.

Conditions:
Gorlin syndrome. Also called: Nevoid Basal Cell Carcinoma Syndrome; Basal cell nevus syndrome. Identifiers: Orphanet 377, MedGen C0004779, MONDO:0007187.
Hereditary cancer-predisposing syndrome. Also called: Tumor predisposition; Hereditary neoplastic syndrome; Neoplastic Syndromes, Hereditary; Hereditary Cancer Syndrome. Identifiers: Orphanet 140162, MedGen C0027672, MeSH D009386, MONDO:0015356.

Allele frequency attached by ClinVar (database versions not stated): TOPMed below 0.00001; gnomAD 0.00001.
gnomAD v4.1: 2 of 1,614,014 alleles (0.00012%); highest among the groups gnomAD compares: African/African-American, 0.0027%; no homozygotes.

Submissions (2):

Labcorp Genetics (formerly Invitae), Labcorp
Classification: Uncertain significance for Gorlin syndrome. Last evaluated: 2024-10-23. Review status: criteria provided, single submitter. Criteria: Invitae Variant Classification Sherloc (09022015). Collection method: clinical testing. Allele origin: germline.
Comment: This sequence change replaces valine, which is neutral and non-polar, with leucine, which is neutral and non-polar, at codon 988 of the PTCH1 protein (p.Val988Leu). This variant is not present in population databases (gnomAD no frequency). This variant has not been reported in the literature in individuals affected with PTCH1-related conditions. ClinVar contains an entry for this variant (Variation ID: 937278). Invitae Evidence Modeling of protein sequence and biophysical properties (such as structural, functional, and spatial information, amino acid conservation, physicochemical variation, residue mobility, and thermodynamic stability) indicates that this missense variant is not expected to disrupt PTCH1 protein function with a negative predictive value of 95%. In summary, the available evidence is currently insufficient to determine the role of this variant in disease. Therefore, it has been classified as a Variant of Uncertain Significance.

Ambry Genetics
Classification: Uncertain significance for Hereditary cancer-predisposing syndrome. Last evaluated: 2024-04-20. Review status: criteria provided, single submitter. Criteria: Ambry Variant Classification Scheme 2023. Collection method: clinical testing. Allele origin: germline.
Comment: The p.V988L variant (also known as c.2962G>T), located in coding exon 18 of the PTCH1 gene, results from a G to T substitution at nucleotide position 2962. The valine at codon 988 is replaced by leucine, an amino acid with highly similar properties. This amino acid position is conserved. In addition, the in silico prediction for this alteration is inconclusive. Based on the available evidence, the clinical significance of this variant remains unclear.

NM_000264.5(PTCH1):c.2962G>T (p.Val988Leu)

Gene: PTCH1 (patched 1; minus strand). Cytogenetic location: 9q22.32.
Variant type: single nucleotide variant.
Coding change: c.2962G>T on transcript NM_000264.5 (MANE Select); coding-DNA position 2962, G replaced by T.
Protein change: p.Val988Leu; replaces valine 988 with leucine.
Molecular consequence: missense variant. On other transcripts: non-coding transcript variant (1).
Genome position (GRCh38, 1-based): chr9:95,458,219, C>A on the plus strand (G>T on the coding strand, the complement: PTCH1 is on the minus strand). VCF-style: chr9-95458219-C-A. GRCh37 (hg19) VCF-style: chr9-98220501-C-A.
Other names: c.2764G>T, p.Val922Leu (NM_001083602.3); c.2959G>T, p.Val987Leu (NM_001083603.3); c.2509G>T, p.Val837Leu (NM_001083604.3, NM_001083605.3, NM_001083606.3 and 1 more transcripts); c.2806G>T, p.Val936Leu (NM_001354918.2); short protein forms V922L, V936L, V837L, V987L, V988L.
Identifiers: ClinVar variation 937278 (VCV000937278.11), dbSNP rs1257244317, ClinGen allele CA374112692.
Genomic context (GRCh38, chr9:95,458,219, plus strand): 5'-TGGACAGCCCCAGGCTCGTATAGTTGCTGCAGATGGTCCTTACTTTTTCAATTGCCTCCA[C>A]AAAGTCTGAGGTGTCCCGCAAGCCGTTGAGGTAGAAAGGGAACTGGGCATACTCGATGGG-3'
Protein context (NP_000255.2, residues 978-998): LNGLRDTSDF[Val988Leu]EAIEKVRTIC